The following is an entry in ClinVar:

ClinVar aggregate classification (germline): Uncertain significance. Review status: criteria provided, multiple submitters, no conflicts (2 of 4 stars). 2 submissions from 2 submitters: Uncertain significance (2). Last evaluated 2022-10-13.

Allele frequency attached by ClinVar (database versions not stated): TOPMed below 0.00001; gnomAD 0.00001.
gnomAD v4.1: 3 of 1,547,866 alleles (0.00019%); highest among the groups gnomAD compares: African/African-American, 0.0014%; no homozygotes.

Submissions (2):

Labcorp Genetics (formerly Invitae), Labcorp
Classification: Uncertain significance. Last evaluated: 2022-10-13. Review status: criteria provided, single submitter. Criteria: Invitae Variant Classification Sherloc (09022015). Collection method: clinical testing. Allele origin: germline.
Comment: This sequence change replaces serine, which is neutral and polar, with asparagine, which is neutral and polar, at codon 500 of the DTHD1 protein (p.Ser500Asn). This variant is not present in population databases (gnomAD no frequency). In summary, the available evidence is currently insufficient to determine the role of this variant in disease. Therefore, it has been classified as a Variant of Uncertain Significance. Algorithms developed to predict the effect of missense changes on protein structure and function are either unavailable or do not agree on the potential impact of this missense change (SIFT: "Tolerated"; PolyPhen-2: "Possibly Damaging"; Align-GVGD: "Class C0"). ClinVar contains an entry for this variant (Variation ID: 1004940). This variant has not been reported in the literature in individuals affected with DTHD1-related conditions.

Blueprint Genetics
Classification: Uncertain significance. Last evaluated: 2018-07-24. Review status: criteria provided, single submitter. Criteria: ACMG Guidelines, 2015. Collection method: clinical testing. Allele origin: germline.

NM_001170700.3(DTHD1):c.2369G>A (p.Ser790Asn)

Gene: DTHD1 (death domain containing 1; plus strand). Cytogenetic location: 4p14.
Variant type: single nucleotide variant.
Coding change: c.2369G>A on transcript NM_001170700.3 (MANE Select); coding-DNA position 2369, G replaced by A.
Protein change: p.Ser790Asn; replaces serine 790 with asparagine.
Molecular consequence: missense variant. On other transcripts: non-coding transcript variant (1), intron variant (1).
Genome position (GRCh38, 1-based): chr4:36,339,140, G>A. VCF-style: chr4-36339140-G-A. GRCh37 (hg19) VCF-style: chr4-36340762-G-A.
Other names: c.1499G>A, p.Ser500Asn (NM_001136536.5); c.1408-4362G>A (NM_001378435.1); short protein forms S500N, S790N.
Identifiers: ClinVar variation 1004940 (VCV001004940.9), dbSNP rs1000681587, ClinGen allele CA95809823.